The following is an entry in ClinVar:

ClinVar aggregate classification (germline): Uncertain significance (1 of 4 stars; one submission).

Conditions:
Parkinsonian-pyramidal syndrome. Also called: PALLIDOPYRAMIDAL SYNDROME; PARKINSON DISEASE 15, AUTOSOMAL RECESSIVE; PARKINSON DISEASE 15, AUTOSOMAL RECESSIVE EARLY-ONSET. Identifiers: Orphanet 171695, MedGen C1850100, MONDO:0009830, OMIM 260300.

Allele frequency attached by ClinVar (database versions not stated): gnomAD 0.00002.

Submission:

Labcorp Genetics (formerly Invitae), Labcorp
Classification: Uncertain significance for Parkinsonian-pyramidal syndrome. Last evaluated: 2022-06-08. Review status: criteria provided, single submitter. Criteria: Invitae Variant Classification Sherloc (09022015). Collection method: clinical testing. Allele origin: germline.
Comment: This sequence change replaces alanine, which is neutral and non-polar, with proline, which is neutral and non-polar, at codon 221 of the FBXO7 protein (p.Ala221Pro). This variant is not present in population databases (gnomAD no frequency). This variant has not been reported in the literature in individuals affected with FBXO7-related conditions. Algorithms developed to predict the effect of missense changes on protein structure and function are either unavailable or do not agree on the potential impact of this missense change (SIFT: "Deleterious"; PolyPhen-2: "Benign"; Align-GVGD: "Class C0"). In summary, the available evidence is currently insufficient to determine the role of this variant in disease. Therefore, it has been classified as a Variant of Uncertain Significance.

NM_012179.4(FBXO7):c.661G>C (p.Ala221Pro)

Gene: FBXO7 (F-box protein 7; plus strand). Cytogenetic location: 22q12.3.
Variant type: single nucleotide variant.
Coding change: c.661G>C on transcript NM_012179.4 (MANE Select); coding-DNA position 661, G replaced by C.
Protein change: p.Ala221Pro; replaces alanine 221 with proline.
Molecular consequence: missense variant.
Genome position (GRCh38, 1-based): chr22:32,485,083, G>C. VCF-style: chr22-32485083-G-C. GRCh37 (hg19) VCF-style: chr22-32881070-G-C.
Other names: c.424G>C, p.Ala142Pro (NM_001033024.2); c.319G>C, p.Ala107Pro (NM_001257990.2); short protein forms A142P, A221P, A107P.
Identifiers: ClinVar variation 1443844 (VCV001443844.5), dbSNP rs901331947, ClinGen allele CA323431664.